The following is an entry in ClinVar:

NM_005751.5(AKAP9):c.1357A>T (p.Ile453Leu)

Gene: AKAP9 (A-kinase anchoring protein 9; plus strand). Cytogenetic location: 7q21.2.
Variant type: single nucleotide variant.
Coding change: c.1357A>T on transcript NM_005751.5 (MANE Select); coding-DNA position 1357, A replaced by T.
Protein change: p.Ile453Leu; replaces isoleucine 453 with leucine.
Molecular consequence: missense variant.
Genome position (GRCh38, 1-based): chr7:92,001,274, A>T. VCF-style: chr7-92001274-A-T. GRCh37 (hg19) VCF-style: chr7-91630588-A-T.
Other names: c.1357A>T, p.Ile453Leu (NM_147185.3); short protein forms I453L.
Identifiers: ClinVar variation 3516530 (VCV003516530.1).

ClinVar aggregate classification (germline): Uncertain significance (1 of 4 stars; one submission).

Conditions:
Cardiovascular phenotype. Identifiers: MedGen CN230736.

Submission:

Ambry Genetics
Classification: Uncertain significance for Cardiovascular phenotype. Last evaluated: 2024-09-08. Review status: criteria provided, single submitter. Criteria: Ambry Variant Classification Scheme 2023. Collection method: clinical testing. Allele origin: germline.
Comment: The p.I453L variant (also known as c.1357A>T), located in coding exon 8 of the AKAP9 gene, results from an A to T substitution at nucleotide position 1357. The isoleucine at codon 453 is replaced by leucine, an amino acid with highly similar properties. This amino acid position is conserved. In addition, this alteration is predicted to be tolerated by in silico analysis. Based on the available evidence, the clinical significance of this variant remains unclear.